The following is an entry in ClinVar:

ClinVar aggregate classification (germline): Uncertain significance. Review status: criteria provided, multiple submitters, no conflicts (2 of 4 stars). 2 submissions from 2 submitters: Uncertain significance (2). Last evaluated 2025-08-18.

Conditions:
Hereditary cancer-predisposing syndrome. Also called: Neoplastic Syndromes, Hereditary; Hereditary Cancer Syndrome; Tumor predisposition; Hereditary neoplastic syndrome. Identifiers: Orphanet 140162, MedGen C0027672, MeSH D009386, MONDO:0015356.
Tuberous sclerosis 2 (TSC2). Identifiers: Orphanet 805, MedGen C1860707, MONDO:0013199, OMIM 613254.

Submissions (2):

Labcorp Genetics (formerly Invitae), Labcorp
Classification: Uncertain significance for Tuberous sclerosis 2. Last evaluated: 2025-08-18. Review status: criteria provided, single submitter. Criteria: Invitae Variant Classification Sherloc (09022015). Collection method: clinical testing. Allele origin: germline.
Comment: This sequence change replaces proline, which is neutral and non-polar, with threonine, which is neutral and polar, at codon 903 of the TSC2 protein (p.Pro903Thr). This variant is not present in population databases (gnomAD no frequency). This variant has not been reported in the literature in individuals affected with TSC2-related conditions. ClinVar contains an entry for this variant (Variation ID: 1516394). Invitae Evidence Modeling of protein sequence and biophysical properties (such as structural, functional, and spatial information, amino acid conservation, physicochemical variation, residue mobility, and thermodynamic stability) indicates that this missense variant is not expected to disrupt TSC2 protein function with a negative predictive value of 95%. In summary, the available evidence is currently insufficient to determine the role of this variant in disease. Therefore, it has been classified as a Variant of Uncertain Significance.

Ambry Genetics
Classification: Uncertain significance for Hereditary cancer-predisposing syndrome. Last evaluated: 2023-04-09. Review status: criteria provided, single submitter. Criteria: Ambry Variant Classification Scheme 2023. Collection method: clinical testing. Allele origin: germline.
Comment: The p.P903T variant (also known as c.2707C>A), located in coding exon 23 of the TSC2 gene, results from a C to A substitution at nucleotide position 2707. The proline at codon 903 is replaced by threonine, an amino acid with highly similar properties. This amino acid position is conserved. In addition, this alteration is predicted to be deleterious by in silico analysis. Since supporting evidence is limited at this time, the clinical significance of this alteration remains unclear.

NM_000548.5(TSC2):c.2707C>A (p.Pro903Thr)

Gene: TSC2 (TSC complex subunit 2; plus strand). Cytogenetic location: 16p13.3.
Variant type: single nucleotide variant.
Coding change: c.2707C>A on transcript NM_000548.5 (MANE Select); coding-DNA position 2707, C replaced by A.
Protein change: p.Pro903Thr; replaces proline 903 with threonine.
Molecular consequence: missense variant.
Genome position (GRCh38, 1-based): chr16:2,076,135, C>A. VCF-style: chr16-2076135-C-A. GRCh37 (hg19) VCF-style: chr16-2126136-C-A.
Other names: c.2707C>A (NM_000548.3); c.2707C>A, p.Pro903Thr (NM_001077183.3, NM_001114382.3, NM_001363528.2 and 3 more transcripts); c.2596C>A, p.Pro866Thr (NM_001318827.2); c.2560C>A, p.Pro854Thr (NM_001318829.2); c.2107C>A, p.Pro703Thr (NM_001318831.2); c.2740C>A, p.Pro914Thr (NM_001318832.2); short protein forms P854T, P703T, P914T, P866T, P903T.
Identifiers: ClinVar variation 1516394 (VCV001516394.9), dbSNP rs2089324682, ClinGen allele CA394279461.